The following is an entry in ClinVar:

NM_004789.4(LHX2):c.120G>C (p.Thr40=)

Gene: LHX2 (LIM homeobox 2; plus strand). Cytogenetic location: 9q33.3.
Variant type: single nucleotide variant.
Coding change: c.120G>C on transcript NM_004789.4 (MANE Select); coding-DNA position 120, G replaced by C.
Protein change: p.Thr40=; no amino-acid change (threonine 40 retained).
Molecular consequence: synonymous variant.
Genome position (GRCh38, 1-based): chr9:124,012,468, G>C. VCF-style: chr9-124012468-G-C. GRCh37 (hg19) VCF-style: chr9-126774747-G-C.
Identifiers: ClinVar variation 4076561 (VCV004076561.1).

ClinVar aggregate classification (germline): Uncertain significance (1 of 4 stars; one submission).

gnomAD v4.1: 2 of 1,544,386 alleles (0.00013%); highest among the groups gnomAD compares: Non-Finnish European, 0.00017%; no homozygotes.

Submission:

GeneDx
Classification: Uncertain significance. Last evaluated: 2025-02-25. Review status: criteria provided, single submitter. Criteria: GeneDx Variant Classification Process June 2021. Collection method: clinical testing. Allele origin: germline. Affected: yes.
Comment: Not observed at significant frequency in large population cohorts (gnomAD); In silico analysis indicates that this variant does not alter splicing; Has not been previously published as pathogenic or benign to our knowledge